The following is an entry in ClinVar:

NM_024635.4(NAA35):c.403A>G (p.Ile135Val)

Gene: NAA35 (N-alpha-acetyltransferase 35, NatC auxiliary subunit; plus strand). Cytogenetic location: 9q21.33.
Variant type: single nucleotide variant.
Coding change: c.403A>G on transcript NM_024635.4 (MANE Select); coding-DNA position 403, A replaced by G.
Protein change: p.Ile135Val; replaces isoleucine 135 with valine.
Molecular consequence: missense variant.
Genome position (GRCh38, 1-based): chr9:85,962,067, A>G. VCF-style: chr9-85962067-A-G. GRCh37 (hg19) VCF-style: chr9-88576982-A-G.
Other names: c.403A>G, p.Ile135Val (NM_001321881.2, NM_001321882.2); c.403A>G (NM_024635.3); short protein forms I135V.
Identifiers: ClinVar variation 2863179 (VCV002863179.4), dbSNP rs140125010, ClinGen allele CA5107130.

ClinVar aggregate classification (germline): Uncertain significance. Review status: criteria provided, multiple submitters, no conflicts (2 of 4 stars). 2 submissions from 2 submitters: Uncertain significance (2). Last evaluated 2024-01-24.

Allele frequency attached by ClinVar (database versions not stated): TOPMed 0.00009; ExAC 0.00012; gnomAD 0.00014; gnomAD exomes 0.00022; ESP Exome Variant Server 0.00023.
gnomAD v4.1: 328 of 1,613,890 alleles (0.02%); highest among the groups gnomAD compares: Non-Finnish European, 0.027%; no homozygotes.

Submissions (2):

Ambry Genetics
Classification: Uncertain significance. Last evaluated: 2024-01-24. Review status: criteria provided, single submitter. Criteria: Ambry Variant Classification Scheme 2023. Collection method: clinical testing. Allele origin: germline.

Labcorp Genetics (formerly Invitae), Labcorp
Classification: Uncertain significance. Last evaluated: 2022-12-15. Review status: criteria provided, single submitter. Criteria: Invitae Variant Classification Sherloc (09022015). Collection method: clinical testing. Allele origin: germline.
Comment: This sequence change replaces isoleucine, which is neutral and non-polar, with valine, which is neutral and non-polar, at codon 135 of the NAA35 protein (p.Ile135Val). This variant is present in population databases (rs140125010, gnomAD 0.03%). This variant has not been reported in the literature in individuals affected with NAA35-related conditions. Algorithms developed to predict the effect of missense changes on protein structure and function (SIFT, PolyPhen-2, Align-GVGD) all suggest that this variant is likely to be tolerated. In summary, the available evidence is currently insufficient to determine the role of this variant in disease. Therefore, it has been classified as a Variant of Uncertain Significance.